The following is an entry in ClinVar:

ClinVar aggregate classification (germline): Uncertain significance. Review status: criteria provided, multiple submitters, no conflicts (2 of 4 stars). 2 submissions from 2 submitters: Uncertain significance (2). Last evaluated 2025-07-03.

Conditions:
Inborn genetic diseases. Identifiers: MedGen C0950123, MeSH D030342.

Submissions (2):

Ambry Genetics
Classification: Uncertain significance for Inborn genetic diseases. Last evaluated: 2025-07-03. Review status: criteria provided, single submitter. Criteria: Ambry Variant Classification Scheme 2023. Collection method: clinical testing. Allele origin: germline.

GeneDx
Classification: Uncertain significance. Last evaluated: 2025-06-20. Review status: criteria provided, single submitter. Criteria: GeneDx Variant Classification Process June 2021. Collection method: clinical testing. Allele origin: germline. Affected: yes.
Comment: In silico analysis supports that this missense variant has a deleterious effect on protein structure/function; Has not been previously published as pathogenic or benign to our knowledge

NM_022369.4(STRA6):c.1913G>A (p.Arg638His)

Gene: STRA6 (signaling receptor and transporter of retinol STRA6; minus strand). Cytogenetic location: 15q24.1.
Variant type: single nucleotide variant.
Coding change: c.1913G>A on transcript NM_022369.4 (MANE Select); coding-DNA position 1913, G replaced by A.
Protein change: p.Arg638His; replaces arginine 638 with histidine.
Molecular consequence: missense variant.
Genome position (GRCh38, 1-based): chr15:74,180,171, C>T on the plus strand (G>A on the coding strand, the complement: STRA6 is on the minus strand). VCF-style: chr15-74180171-C-T. GRCh37 (hg19) VCF-style: chr15-74472512-C-T.
Other names: c.1913G>A, p.Arg638His (NM_001142617.2, NM_001142618.2, NM_001437994.1); c.1886G>A, p.Arg629His (NM_001142619.2); c.2024G>A, p.Arg675His (NM_001199040.2); c.1958G>A, p.Arg653His (NM_001199041.2); c.2030G>A, p.Arg677His (NM_001199042.2); short protein forms R675H, R677H, R629H, R638H, R653H.
Identifiers: ClinVar variation 4177051 (VCV004177051.2).